The following is an entry in ClinVar:

NM_001089.3(ABCA3):c.2323C>G (p.Gln775Glu)

Gene: ABCA3 (ATP binding cassette subfamily A member 3; minus strand). Cytogenetic location: 16p13.3.
Variant type: single nucleotide variant.
Coding change: c.2323C>G on transcript NM_001089.3 (MANE Select); coding-DNA position 2323, C replaced by G.
Protein change: p.Gln775Glu; replaces glutamine 775 with glutamic acid.
Molecular consequence: missense variant.
Genome position (GRCh38, 1-based): chr16:2,295,681, G>C on the plus strand (C>G on the coding strand, the complement: ABCA3 is on the minus strand). VCF-style: chr16-2295681-G-C. GRCh37 (hg19) VCF-style: chr16-2345682-G-C.
Other names: short protein forms Q775E.
Identifiers: ClinVar variation 2755135 (VCV002755135.3), dbSNP rs1461302265, ClinGen allele CA394328852.

ClinVar aggregate classification (germline): Uncertain significance (1 of 4 stars; one submission).

Submission:

Labcorp Genetics (formerly Invitae), Labcorp
Classification: Uncertain significance. Last evaluated: 2025-03-31. Review status: criteria provided, single submitter. Criteria: Invitae Variant Classification Sherloc (09022015). Collection method: clinical testing. Allele origin: germline.
Comment: This sequence change replaces glutamine, which is neutral and polar, with glutamic acid, which is acidic and polar, at codon 775 of the ABCA3 protein (p.Gln775Glu). This variant is not present in population databases (gnomAD no frequency). This variant has not been reported in the literature in individuals affected with ABCA3-related conditions. ClinVar contains an entry for this variant (Variation ID: 2755135). Invitae Evidence Modeling of protein sequence and biophysical properties (such as structural, functional, and spatial information, amino acid conservation, physicochemical variation, residue mobility, and thermodynamic stability) indicates that this missense variant is not expected to disrupt ABCA3 protein function with a negative predictive value of 80%. In summary, the available evidence is currently insufficient to determine the role of this variant in disease. Therefore, it has been classified as a Variant of Uncertain Significance.